The following is an entry in ClinVar:

ClinVar aggregate classification (germline): Benign. Review status: criteria provided, multiple submitters, no conflicts (2 of 4 stars). 5 submissions from 3 submitters: Benign (5). Last evaluated 2021-07-14.

Conditions:
Pituitary adenoma 5, multiple types. Identifiers: MedGen C4539685, MONDO:0054601, OMIM 617540.
Usher syndrome type 1D (USH1D). Also called: USHER SYNDROME, TYPE ID. Identifiers: Orphanet 231169, Orphanet 886, MedGen C1832845, MONDO:0010984, OMIM 601067.
Autosomal recessive nonsyndromic hearing loss 12. Also called: DEAFNESS, AUTOSOMAL RECESSIVE 12. Identifiers: Orphanet 90636, MedGen C1832394, MONDO:0011067, OMIM 601386.

Allele frequency attached by ClinVar (database versions not stated): 1000 Genomes Project 30x 0.47017; 1000 Genomes Project 0.47404; TOPMed 0.49808; gnomAD 0.51167 and 0.51356; gnomAD exomes 0.57395.
gnomAD v4.1: 382,438 of 682,858 alleles (56%); highest among the groups gnomAD compares: Non-Finnish European, 62%; 109,835 homozygotes.

Submissions (5):

Genome-Nilou Lab
Classification: Benign for Autosomal recessive nonsyndromic hearing loss 12. Last evaluated: 2021-07-14. Review status: criteria provided, single submitter. Criteria: ACMG Guidelines, 2015. Collection method: clinical testing. Allele origin: germline. Affected: no.

Genome-Nilou Lab
Classification: Benign for Usher syndrome type 1D. Last evaluated: 2021-07-14. Review status: criteria provided, single submitter. Criteria: ACMG Guidelines, 2015. Collection method: clinical testing. Allele origin: germline. Affected: no.

Genome-Nilou Lab
Classification: Benign for Pituitary adenoma 5, multiple types. Last evaluated: 2021-07-14. Review status: criteria provided, single submitter. Criteria: ACMG Guidelines, 2015. Collection method: clinical testing. Allele origin: germline. Affected: no.

GeneDx
Classification: Benign. Last evaluated: 2018-06-14. Review status: criteria provided, single submitter. Criteria: GeneDx Variant Classification (06012015). Collection method: clinical testing. Allele origin: germline. Affected: yes.
Comment: This variant is considered likely benign or benign based on one or more of the following criteria: it is a conservative change, it occurs at a poorly conserved position in the protein, it is predicted to be benign by multiple in silico algorithms, and/or has population frequency not consistent with disease.

Breakthrough Genomics
Classification: Benign. Review status: criteria provided, single submitter. Criteria: ACMG Guidelines, 2015. Collection method: not provided. Allele origin: germline. Inheritance: Autosomal recessive inheritance. Affected: yes.

NM_022124.6(CDH23):c.1135-128A>G

Gene: CDH23 (cadherin related 23; plus strand). Cytogenetic location: 10q22.1.
Variant type: single nucleotide variant.
Coding change: c.1135-128A>G on transcript NM_022124.6 (MANE Select); 128 bases into the intron before coding-DNA position 1135, A replaced by G.
Molecular consequence: intron variant.
Genome position (GRCh38, 1-based): chr10:71,643,733, A>G. VCF-style: chr10-71643733-A-G. GRCh37 (hg19) VCF-style: chr10-73403490-A-G.
Other names: c.1135-128A>G (NM_001171930.2, NM_001171931.2, NM_052836.4).
Identifiers: ClinVar variation 678766 (VCV000678766.5), dbSNP rs10823810, ClinGen allele CA15660801.